The following is an entry in ClinVar:

ClinVar aggregate classification (germline): Uncertain significance (1 of 4 stars; one submission).

Conditions:
Hereditary cancer-predisposing syndrome. Also called: Hereditary neoplastic syndrome; Tumor predisposition; Hereditary Cancer Syndrome; Neoplastic Syndromes, Hereditary. Identifiers: Orphanet 140162, MedGen C0027672, MeSH D009386, MONDO:0015356.

Allele frequency attached by ClinVar (database versions not stated): gnomAD exomes below 0.00001.
gnomAD v4.1: 1 of 1,614,160 alleles (0.000062%); highest among the groups gnomAD compares: Non-Finnish European, 0.000085%; no homozygotes.

Submission:

Ambry Genetics
Classification: Uncertain significance for Hereditary cancer-predisposing syndrome. Last evaluated: 2023-08-23. Review status: criteria provided, single submitter. Criteria: Ambry Variant Classification Scheme 2023. Collection method: clinical testing. Allele origin: germline.
Comment: The p.S1235C variant (also known as c.3704C>G), located in coding exon 15 of the APC gene, results from a C to G substitution at nucleotide position 3704. The serine at codon 1235 is replaced by cysteine, an amino acid with dissimilar properties. This amino acid position is well conserved in available vertebrate species. In addition, in silico predictors for this gene do not accurately predict pathogenicity. Since supporting evidence is limited at this time, the clinical significance of this alteration remains unclear.

NM_000038.6(APC):c.3704C>G (p.Ser1235Cys)

Gene: APC (APC regulator of Wnt signaling pathway; plus strand). Cytogenetic location: 5q22.2.
Variant type: single nucleotide variant.
Coding change: c.3704C>G on transcript NM_000038.6 (MANE Select); coding-DNA position 3704, C replaced by G.
Protein change: p.Ser1235Cys; replaces serine 1235 with cysteine.
Molecular consequence: missense variant. On other transcripts: non-coding transcript variant (2).
Genome position (GRCh38, 1-based): chr5:112,839,298, C>G. VCF-style: chr5-112839298-C-G. GRCh37 (hg19) VCF-style: chr5-112174995-C-G.
Other names: c.3704C>G, p.Ser1235Cys (NM_001127510.3, NM_001354895.2, NM_001407450.1); c.3650C>G, p.Ser1217Cys (NM_001127511.3); c.3758C>G, p.Ser1253Cys (NM_001354896.2, NM_001407447.1, NM_001407448.1 and 1 more transcripts); c.3734C>G, p.Ser1245Cys (NM_001354897.2); c.3629C>G, p.Ser1210Cys (NM_001354898.2); c.3620C>G, p.Ser1207Cys (NM_001354899.2); c.3581C>G, p.Ser1194Cys (NM_001354900.2); c.3527C>G, p.Ser1176Cys (NM_001354901.2, NM_001407453.1); and 11 more; short protein forms S1207C, S1210C, S1134C, S1152C, S1194C, S1235C, S1245C, S851C.
Identifiers: ClinVar variation 2587024 (VCV002587024.2), dbSNP rs1554085244, ClinGen allele CA16029461.